The following is an entry in ClinVar:

ClinVar aggregate classification (germline): Uncertain significance. Review status: criteria provided, multiple submitters, no conflicts (2 of 4 stars). 4 submissions from 4 submitters: Uncertain significance (3). 1 of the submissions does not count toward it. Last evaluated 2025-11-26.

Conditions:
Fumarase deficiency (FMRD). Also called: Fumaric aciduria; Fumarate Hydratase Deficiency. Identifiers: Orphanet 24, MedGen C0342770, MONDO:0011730, OMIM 606812.
Hereditary cancer-predisposing syndrome. Also called: Neoplastic Syndromes, Hereditary; Hereditary neoplastic syndrome; Tumor predisposition; Hereditary Cancer Syndrome. Identifiers: Orphanet 140162, MedGen C0027672, MeSH D009386, MONDO:0015356.

Allele frequency attached by ClinVar (database versions not stated): gnomAD exomes below 0.00001 and 0.00001; TOPMed 0.00002; gnomAD 0.00005.
gnomAD v4.1: 14 of 1,614,032 alleles (0.00087%); highest among the groups gnomAD compares: Admixed American, 0.0083%; no homozygotes.

Submissions (4):

Labcorp Genetics (formerly Invitae), Labcorp
Classification: Uncertain significance. Last evaluated: 2025-11-26. Review status: criteria provided, single submitter. Criteria: Invitae Variant Classification Sherloc (09022015). Collection method: clinical testing. Allele origin: germline.
Comment: This sequence change replaces alanine, which is neutral and non-polar, with threonine, which is neutral and polar, at codon 332 of the FH protein (p.Ala332Thr). This variant is present in population databases (no rsID available, gnomAD 0.006%). This variant has not been reported in the literature in individuals affected with FH-related conditions. ClinVar contains an entry for this variant (Variation ID: 529820). Invitae Evidence Modeling of protein sequence and biophysical properties (such as structural, functional, and spatial information, amino acid conservation, physicochemical variation, residue mobility, and thermodynamic stability) indicates that this missense variant is expected to disrupt FH protein function with a positive predictive value of 95%. In summary, the available evidence is currently insufficient to determine the role of this variant in disease. Therefore, it has been classified as a Variant of Uncertain Significance.

Ambry Genetics
Classification: Uncertain significance for Hereditary cancer-predisposing syndrome. Last evaluated: 2025-06-24. Review status: criteria provided, single submitter. Criteria: Ambry Variant Classification Scheme 2023. Collection method: clinical testing. Allele origin: germline.
Comment: The p.A332T variant (also known as c.994G>A), located in coding exon 7 of the FH gene, results from a G to A substitution at nucleotide position 994. The alanine at codon 332 is replaced by threonine, an amino acid with similar properties. This amino acid position is highly conserved in available vertebrate species. In addition, this alteration is predicted to be deleterious by in silico analysis. Based on the available evidence, the clinical significance of this variant remains unclear.

Quest Diagnostics Nichols Institute San Juan Capistrano
Classification: Uncertain significance. Last evaluated: 2024-07-30. Review status: criteria provided, single submitter. Criteria: Quest Diagnostics criteria. Collection method: clinical testing. Allele origin: unknown.
Comment: The FH c.994G>A (p.Ala332Thr) variant has not been reported in individuals with FH-related conditions in the published literature. The frequency of this variant in the general population, 0.000014 (4/282678 chromosomes (Genome Aggregation Database)), is uninformative in the assessment of its pathogenicity. Analysis of this variant using bioinformatics tools for the prediction of the effect of amino acid changes on protein structure and function yielded predictions that this variant is damaging. Based on the available information, we are unable to determine the clinical significance of this variant.

Natera, Inc.
Classification: Uncertain significance for Fumarase Deficiency. Last evaluated: 2020-03-12. Review status: no assertion criteria provided. Collection method: clinical testing. Allele origin: germline. Not counted in ClinVar's aggregate classification.

NM_000143.4(FH):c.994G>A (p.Ala332Thr)

Gene: FH (fumarate hydratase; minus strand). Cytogenetic location: 1q43.
Variant type: single nucleotide variant.
Coding change: c.994G>A on transcript NM_000143.4 (MANE Select); coding-DNA position 994, G replaced by A.
Protein change: p.Ala332Thr; replaces alanine 332 with threonine.
Molecular consequence: missense variant.
Genome position (GRCh38, 1-based): chr1:241,504,156, C>T on the plus strand (G>A on the coding strand, the complement: FH is on the minus strand). VCF-style: chr1-241504156-C-T. GRCh37 (hg19) VCF-style: chr1-241667456-C-T.
Other names: short protein forms A332T.
Identifiers: ClinVar variation 529820 (VCV000529820.22), dbSNP rs1157768121, ClinGen allele CA345438264.